The following is an entry in ClinVar:

NM_001367624.2(ZNF469):c.4442C>G (p.Pro1481Arg)

Gene: ZNF469 (zinc finger protein 469; plus strand). Cytogenetic location: 16q24.2.
Variant type: single nucleotide variant.
Coding change: c.4442C>G on transcript NM_001367624.2 (MANE Select); coding-DNA position 4442, C replaced by G.
Protein change: p.Pro1481Arg; replaces proline 1481 with arginine.
Molecular consequence: missense variant.
Genome position (GRCh38, 1-based): chr16:88,431,912, C>G. VCF-style: chr16-88431912-C-G. GRCh37 (hg19) VCF-style: chr16-88498320-C-G.
Other names: NM_001127464.1:c.4358C>G; short protein forms P1481R.
Identifiers: ClinVar variation 2414609 (VCV002414609.5), dbSNP rs984670601, ClinGen allele CA286376104.
Genomic context (GRCh38, chr16:88,431,912, plus strand): 5'-TGGACAGATTCGACCCACCCCTCTATGGCAGCCTGTCTGCGAACAGGGACTCCGGTCTGC[C>G]GTTCGCATGTGCCGACCCTCCCCAGAAGACGGTGCCGTCAGATCCACCGTACCCCTCTTT-3'
Protein context (NP_001354553.1, residues 1471-1491): SLSANRDSGL[Pro1481Arg]FACADPPQKT

ClinVar aggregate classification (germline): Uncertain significance. Review status: criteria provided, multiple submitters, no conflicts (2 of 4 stars). 3 submissions from 3 submitters: Uncertain significance (3). Last evaluated 2025-11-03.

Conditions:
Cardiovascular phenotype. Identifiers: MedGen CN230736.

gnomAD v4.1: 7 of 1,549,584 alleles (0.00045%); highest among the groups gnomAD compares: Admixed American, 0.0078%; no homozygotes.

Submissions (3):

Women's Health and Genetics/Laboratory Corporation of America, LabCorp
Classification: Uncertain significance. Last evaluated: 2025-11-03. Review status: criteria provided, single submitter. Criteria: LabCorp Variant Classification Summary - May 2015. Collection method: clinical testing. Allele origin: germline.
Comment: Variant summary: ZNF469 c.4442C>G (p.Pro1481Arg) results in a non-conservative amino acid change in the encoded protein sequence. Algorithms developed to predict the effect of missense changes on protein structure and function are either unavailable or do not agree on the potential impact of this missense change. The variant allele was found at a frequency of 2e-05 in 153404 control chromosomes. The available data on variant occurrences in the general population are insufficient to allow any conclusion about variant significance. To our knowledge, no occurrence of c.4442C>G in individuals affected with ZNF469-related conditions and no experimental evidence demonstrating its impact on protein function have been reported. ClinVar contains an entry for this variant (Variation ID: 2414609). Based on the evidence outlined above, the variant was classified as uncertain significance.

Ambry Genetics
Classification: Uncertain significance for Cardiovascular phenotype. Last evaluated: 2025-06-10. Review status: criteria provided, single submitter. Criteria: Ambry Variant Classification Scheme 2023. Collection method: clinical testing. Allele origin: germline.

Labcorp Genetics (formerly Invitae), Labcorp
Classification: Uncertain significance. Last evaluated: 2022-08-03. Review status: criteria provided, single submitter. Criteria: Invitae Variant Classification Sherloc (09022015). Collection method: clinical testing. Allele origin: germline.
Comment: This sequence change replaces proline, which is neutral and non-polar, with arginine, which is basic and polar, at codon 1453 of the ZNF469 protein (p.Pro1453Arg). This variant is present in population databases (no rsID available, gnomAD 0.01%). This variant has not been reported in the literature in individuals affected with ZNF469-related conditions. Algorithms developed to predict the effect of missense changes on protein structure and function are either unavailable or do not agree on the potential impact of this missense change (SIFT: "Tolerated"; PolyPhen-2: "Probably Damaging"; Align-GVGD: "Class C0"). In summary, the available evidence is currently insufficient to determine the role of this variant in disease. Therefore, it has been classified as a Variant of Uncertain Significance.